The following is an entry in ClinVar:

ClinVar aggregate classification (germline): Likely pathogenic (1 of 4 stars; one submission).

Conditions:
Bernard Soulier syndrome (BSS). Also called: BLEEDING DISORDER, PLATELET-TYPE, 1; Platelet Glycoprotein 1b, Deficiency of; Giant platelet syndrome; Hemorrhagiparous thrombocytic dystrophy; Giant platelet disease; GLYCOPROTEIN Ib, PLATELET, DEFICIENCY OF. Identifiers: Orphanet 274, MedGen C0005129, MeSH D001606, MONDO:0009276, OMIM 231200.

Submission:

First Genomix Gene Laboratory, Genetic Diagnostics Department
Classification: Likely pathogenic for Bernard Soulier syndrome. Last evaluated: 2025-01-27. Review status: criteria provided, single submitter. Criteria: ACMG Guidelines, 2015. Collection method: clinical testing. Allele origin: germline. Inheritance: Autosomal recessive inheritance. Affected: no. Observed: 1 variant allele.

NM_000173.7(GP1BA):c.1103_1106dup (p.Thr371fs)

Gene: GP1BA (glycoprotein Ib platelet subunit alpha; plus strand). Cytogenetic location: 17p13.2.
Variant type: Duplication.
Coding change: c.1103_1106dup on transcript NM_000173.7 (MANE Select); coding-DNA positions 1103 to 1106, 4 bases duplicated (AATC; older notation c.1103_1106dupAATC).
Protein change: p.Thr371fs; shifts the reading frame from threonine 371.
Molecular consequence: frameshift variant.
Genome position (GRCh38, 1-based): chr17:4,933,707-4,933,710, AATC duplicated. VCF-style (leftmost placement, unchanged base first): chr17-4933706-G-GAATC. GRCh37 (hg19) VCF-style: chr17-4837001-G-GAATC.
Other names: c.1103_1106dupAATC (NM_000173.7); short protein forms T371fs.
Identifiers: ClinVar variation 4845735 (VCV004845735.1).